The following is an entry in ClinVar:

NM_006206.6(PDGFRA):c.525A>G (p.Arg175=)

Gene: PDGFRA (platelet derived growth factor receptor alpha; plus strand). Cytogenetic location: 4q12.
Variant type: single nucleotide variant.
Coding change: c.525A>G on transcript NM_006206.6 (MANE Select); coding-DNA position 525, A replaced by G.
Protein change: p.Arg175=; no amino-acid change (arginine 175 retained).
Molecular consequence: synonymous variant.
Genome position (GRCh38, 1-based): chr4:54,263,824, A>G. VCF-style: chr4-54263824-A-G. GRCh37 (hg19) VCF-style: chr4-55129991-A-G.
Other names: c.525A>G, p.Arg175= (NM_001347827.2, NM_001347829.2); c.600A>G, p.Arg200= (NM_001347828.2); c.564A>G, p.Arg188= (NM_001347830.2).
Identifiers: ClinVar variation 1120339 (VCV001120339.12), dbSNP rs1426799085, ClinGen allele CA439408873.
Genomic context (GRCh38, chr4:54,263,824, plus strand): 5'-CGAGACTCCTGTAACCTTACACAACAGTGAGGGGGTGGTACCTGCCTCCTACGACAGCAG[A>G]CAGGGCTTTAATGGGACCTTCACTGTAGGGCCCTATATCTGTGAGGCCACCGTCAAAGGA-3'
Protein context (NP_006197.1, residues 165-185): EGVVPASYDS[Arg175=]QGFNGTFTVG

ClinVar aggregate classification (germline): Benign/Likely benign. Review status: criteria provided, multiple submitters, no conflicts (2 of 4 stars). 3 submissions from 3 submitters: Benign (1); Likely benign (2). Last evaluated 2026-06-16.

Conditions:
Hereditary cancer-predisposing syndrome. Also called: Neoplastic Syndromes, Hereditary; Hereditary Cancer Syndrome; Hereditary neoplastic syndrome; Tumor predisposition. Identifiers: Orphanet 140162, MedGen C0027672, MeSH D009386, MONDO:0015356.
Gastrointestinal stromal tumor. Also called: Gastrointestinal stroma tumor; Gastrointestinal stromal tumor, somatic. Identifiers: Orphanet 44890, MedGen C0238198, MeSH D046152, MONDO:0011719, OMIM 606764, HP:0100723.
Polyps, multiple and recurrent inflammatory fibroid, gastrointestinal. Identifiers: MedGen C5193005, MONDO:0008285, OMIM 175510.

Allele frequency attached by ClinVar (database versions not stated): gnomAD exomes below 0.00001; TOPMed below 0.00001.
gnomAD v4.1: 2 of 1,614,082 alleles (0.00012%); highest among the groups gnomAD compares: Non-Finnish European, 0.00017%; no homozygotes.

Submissions (3):

Myriad Genetics, Inc.
Classification: Benign for Polyps, multiple and recurrent inflammatory fibroid, gastrointestinal. Last evaluated: 2026-06-16. Review status: criteria provided, single submitter. Criteria: Myriad Autosomal Dominant, Autosomal Recessive and X-Linked Classification Criteria (2023). Collection method: clinical testing. Allele origin: unknown.
Comment: This variant is considered benign. This variant is a silent/synonymous amino acid change and it is not expected to impact splicing.

Labcorp Genetics (formerly Invitae), Labcorp
Classification: Likely benign for Gastrointestinal stromal tumor. Last evaluated: 2025-11-17. Review status: criteria provided, single submitter. Criteria: Invitae Variant Classification Sherloc (09022015). Collection method: clinical testing. Allele origin: germline.

Ambry Genetics
Classification: Likely benign for Hereditary cancer-predisposing syndrome. Last evaluated: 2022-04-20. Review status: criteria provided, single submitter. Criteria: Ambry Variant Classification Scheme 2023. Collection method: clinical testing. Allele origin: germline.